The following is an entry in ClinVar:

ClinVar aggregate classification (germline): Uncertain significance (1 of 4 stars; one submission).

Allele frequency attached by ClinVar (database versions not stated): gnomAD exomes 0.00001; gnomAD 0.00003; TOPMed 0.00003.
gnomAD v4.1: 17 of 1,613,538 alleles (0.0011%); highest among the groups gnomAD compares: Admixed American, 0.01%; no homozygotes.

Submission:

Labcorp Genetics (formerly Invitae), Labcorp
Classification: Uncertain significance. Last evaluated: 2024-05-15. Review status: criteria provided, single submitter. Criteria: Invitae Variant Classification Sherloc (09022015). Collection method: clinical testing. Allele origin: germline.
Comment: This sequence change creates a premature translational stop signal (p.Glu207*) in the KRT16 gene. It is expected to result in an absent or disrupted protein product. However, the current clinical and genetic evidence is not sufficient to establish whether loss-of-function variants in KRT16 cause disease. This variant is present in population databases (rs762344504, gnomAD 0.006%). This variant has not been reported in the literature in individuals affected with KRT16-related conditions. ClinVar contains an entry for this variant (Variation ID: 1902594). In summary, the available evidence is currently insufficient to determine the role of this variant in disease. Therefore, it has been classified as a Variant of Uncertain Significance.

NM_005557.4(KRT16):c.619G>T (p.Glu207Ter)

Gene: KRT16 (keratin 16; minus strand). Cytogenetic location: 17q21.2.
Variant type: single nucleotide variant.
Coding change: c.619G>T on transcript NM_005557.4 (MANE Select); coding-DNA position 619, G replaced by T.
Protein change: p.Glu207Ter; replaces glutamic acid 207 with a stop codon.
Molecular consequence: nonsense.
Genome position (GRCh38, 1-based): chr17:41,611,497, C>A on the plus strand (G>T on the coding strand, the complement: KRT16 is on the minus strand). VCF-style: chr17-41611497-C-A. GRCh37 (hg19) VCF-style: chr17-39767749-C-A.
Other names: short protein forms E207*.
Identifiers: ClinVar variation 1902594 (VCV001902594.5), dbSNP rs762344504, ClinGen allele CA290677033.